The following is an entry in ClinVar:

ClinVar aggregate classification (germline): Uncertain significance. Review status: criteria provided, multiple submitters, no conflicts (2 of 4 stars). 3 submissions from 3 submitters: Uncertain significance (3). Last evaluated 2025-06-09.

Conditions:
Early-infantile DEE. Also called: Ohtahara syndrome; Early infantile epileptic encephalopathy; Early infantile epileptic encephalopathy with suppression bursts. Identifiers: Orphanet 1934, MedGen C0393706, MONDO:0800491.
Inborn genetic diseases. Identifiers: MedGen C0950123, MeSH D030342.

gnomAD v4.1: 2 of 1,613,734 alleles (0.00012%); highest among the groups gnomAD compares: Non-Finnish European, 0.00017%; no homozygotes.

Submissions (3):

Ambry Genetics
Classification: Uncertain significance for Inborn genetic diseases. Last evaluated: 2025-06-09. Review status: criteria provided, single submitter. Criteria: Ambry Variant Classification Scheme 2023. Collection method: clinical testing. Allele origin: germline.

Labcorp Genetics (formerly Invitae), Labcorp
Classification: Uncertain significance for Early-infantile DEE. Last evaluated: 2024-09-04. Review status: criteria provided, single submitter. Criteria: Invitae Variant Classification Sherloc (09022015). Collection method: clinical testing. Allele origin: germline.
Comment: This sequence change replaces aspartic acid, which is acidic and polar, with glycine, which is neutral and non-polar, at codon 1429 of the SCN8A protein (p.Asp1429Gly). This variant is not present in population databases (gnomAD no frequency). This variant has not been reported in the literature in individuals affected with SCN8A-related conditions. Invitae Evidence Modeling of protein sequence and biophysical properties (such as structural, functional, and spatial information, amino acid conservation, physicochemical variation, residue mobility, and thermodynamic stability) indicates that this missense variant is not expected to disrupt SCN8A protein function with a negative predictive value of 95%. In summary, the available evidence is currently insufficient to determine the role of this variant in disease. Therefore, it has been classified as a Variant of Uncertain Significance.

GeneDx
Classification: Uncertain significance. Last evaluated: 2024-05-15. Review status: criteria provided, single submitter. Criteria: GeneDx Variant Classification Process June 2021. Collection method: clinical testing. Allele origin: germline. Affected: yes.
Comment: Not observed at significant frequency in large population cohorts (gnomAD); In silico analysis supports that this missense variant has a deleterious effect on protein structure/function; Has not been previously published as pathogenic or benign to our knowledge; This substitution is predicted to be within the Extracellular loop between the S5 and S6 transmembrane segments of the third homologous domain

NM_001330260.2(SCN8A):c.4286A>G (p.Asp1429Gly)

Gene: SCN8A (sodium voltage-gated channel alpha subunit 8; plus strand). Cytogenetic location: 12q13.13.
Variant type: single nucleotide variant.
Coding change: c.4286A>G on transcript NM_001330260.2 (MANE Select); coding-DNA position 4286, A replaced by G.
Protein change: p.Asp1429Gly; replaces aspartic acid 1429 with glycine.
Molecular consequence: missense variant.
Genome position (GRCh38, 1-based): chr12:51,789,285, A>G. VCF-style: chr12-51789285-A-G. GRCh37 (hg19) VCF-style: chr12-52183069-A-G.
Other names: c.4163A>G, p.Asp1388Gly (NM_001177984.3, NM_001369788.1); c.4286A>G, p.Asp1429Gly (NM_014191.4); c.4286A>G (NM_014191.2); short protein forms D1388G, D1429G.
Identifiers: ClinVar variation 3377905 (VCV003377905.4).